The following is an entry in ClinVar:

ClinVar aggregate classification (germline): Uncertain significance (1 of 4 stars; one submission).

Submission:

Labcorp Genetics (formerly Invitae), Labcorp
Classification: Uncertain significance. Last evaluated: 2022-02-06. Review status: criteria provided, single submitter. Criteria: Invitae Variant Classification Sherloc (09022015). Collection method: clinical testing. Allele origin: germline.
Comment: This variant results in a copy number gain of the genomic region encompassing exon(s) 2 of the DLC1 gene. This region includes the initiator codon of the gene. This copy number gain extends beyond the assayed region for this gene and therefore may encompass additional genes. As the precise location of this event is unknown, it may be in tandem or it may be located elsewhere in the genome. This variant has not been reported in the literature in individuals affected with DLC1-related conditions. Experimental studies and prediction algorithms are not available or were not evaluated, and the functional significance of this variant is currently unknown. In summary, the available evidence is currently insufficient to determine the role of this variant in disease. Therefore, it has been classified as a Variant of Uncertain Significance.

NC_000008.10:g.(?_13356538)_(13357580_?)dup

Gene: DLC1 (DLC1 Rho GTPase activating protein; minus strand). Cytogenetic location: 8p22.
Variant type: Duplication.
Identifiers: ClinVar variation 2427592 (VCV002427592.5).